The following is an entry in ClinVar:

NM_004168.4(SDHA):c.1352G>T (p.Arg451Leu)

Gene: SDHA (succinate dehydrogenase complex flavoprotein subunit A; plus strand). Cytogenetic location: 5p15.33.
Variant type: single nucleotide variant.
Coding change: c.1352G>T on transcript NM_004168.4 (MANE Select); coding-DNA position 1352, G replaced by T.
Protein change: p.Arg451Leu; replaces arginine 451 with leucine.
Molecular consequence: missense variant.
Genome position (GRCh38, 1-based): chr5:236,519, G>T. VCF-style: chr5-236519-G-T. GRCh37 (hg19) VCF-style: chr5-236634-G-T.
Other names: c.1208G>T, p.Arg403Leu (NM_001294332.2); c.1352G>T, p.Arg451Leu (NM_001330758.2); short protein forms R403L, R451L.
Identifiers: ClinVar variation 4864211 (VCV004864211.1).

ClinVar aggregate classification (germline): Likely pathogenic (1 of 4 stars; one submission).

Conditions:
Hereditary cancer-predisposing syndrome. Also called: Neoplastic Syndromes, Hereditary; Tumor predisposition; Hereditary Cancer Syndrome; Hereditary neoplastic syndrome. Identifiers: Orphanet 140162, MedGen C0027672, MeSH D009386, MONDO:0015356.

Submission:

Ambry Genetics
Classification: Likely pathogenic for Hereditary cancer-predisposing syndrome. Last evaluated: 2026-03-24. Review status: criteria provided, single submitter. Criteria: Ambry Variant Classification Scheme 2023. Collection method: clinical testing. Allele origin: germline.
Comment: The p.R451L variant (also known as c.1352G>T), located in coding exon 10 of the SDHA gene, results from a G to T substitution at nucleotide position 1352. The arginine at codon 451 is replaced by leucine, an amino acid with dissimilar properties. This variant was reported in individual(s) with features consistent with SDHA-related hereditary pheochromocytoma-paraganglioma (Ambry internal data). Other variant(s) at the same codon, p.R451H (c.1352G>A), have been identified in individual(s) with features consistent with SDHA-related hereditary pheochromocytoma-paraganglioma (Ambry internal data). Based on internal structural analysis, this variant disrupts the active site of the SDHA protein (Sun F et al. Cell, 2005 Jul;121:1043-57; Sharma P et al. Proc Natl Acad Sci U S A, 2020 Sep;117:23548-23556). This amino acid position is highly conserved in available vertebrate species. In addition, this alteration is predicted to be deleterious by in silico analysis. This variant is considered to be rare based on population cohorts in the Genome Aggregation Database (gnomAD). Based on the majority of available evidence to date, this variant is likely to be pathogenic.

Literature cited by the submitters: PubMed 15989954; PubMed 32887801.